The following is an entry in ClinVar:

NM_183065.4(TMEM107):c.402G>A (p.Gly134=)

Genes: TMEM107 (transmembrane protein 107; minus strand), LOC105371520 (uncharacterized LOC105371520; plus strand). Cytogenetic location: 17p13.1.
Variant type: single nucleotide variant.
Coding change: c.402G>A on transcript NM_183065.4 (MANE Select); coding-DNA position 402, G replaced by A.
Protein change: p.Gly134=; no amino-acid change (glycine 134 retained).
Molecular consequence: synonymous variant. On other transcripts: non-coding transcript variant (1).
Genome position (GRCh38, 1-based): chr17:8,174,224, C>T on the plus strand (G>A on the coding strand, the complement: TMEM107 is on the minus strand). VCF-style: chr17-8174224-C-T. GRCh37 (hg19) VCF-style: chr17-8077542-C-T.
Other names: p.Gly140=; c.399G>A, p.Gly133= (NM_001351278.2); c.381G>A, p.Gly127= (NM_001351279.2); c.204G>A, p.Gly68= (NM_001351280.2); c.420G>A, p.Gly140= (NM_032354.5).
Identifiers: ClinVar variation 777127 (VCV000777127.13), dbSNP rs149443617, ClinGen allele CA8370925.

ClinVar aggregate classification (germline): Benign. Review status: criteria provided, multiple submitters, no conflicts (2 of 4 stars). 3 submissions from 3 submitters: Benign (3). Last evaluated 2026-01-27.

Allele frequency attached by ClinVar (database versions not stated): gnomAD 0.01370 and 0.01479; ESP Exome Variant Server 0.01445; TOPMed 0.01542; 1000 Genomes Project 0.01577; 1000 Genomes Project 30x 0.01577; ExAC 0.00423.

Submissions (3):

Labcorp Genetics (formerly Invitae), Labcorp
Classification: Benign. Last evaluated: 2026-01-27. Review status: criteria provided, single submitter. Criteria: Invitae Variant Classification Sherloc (09022015). Collection method: clinical testing. Allele origin: germline.

Mayo Clinic Laboratories, Mayo Clinic
Classification: Benign. Last evaluated: 2025-04-18. Review status: criteria provided, single submitter. Criteria: ACMG Guidelines, 2015. Collection method: clinical testing. Allele origin: germline. Observed: 1 variant allele.
Comment: BS1, BS2, BP4, BP7

Breakthrough Genomics
Classification: Benign. Review status: criteria provided, single submitter. Criteria: ACMG Guidelines, 2015. Collection method: not provided. Allele origin: germline. Inheritance: Autosomal recessive inheritance. Affected: yes.